The following is an entry in ClinVar:

NM_138694.4(PKHD1):c.7531_7532del (p.Ser2511fs)

Gene: PKHD1 (PKHD1 ciliary IPT domain containing fibrocystin/polyductin; minus strand). Cytogenetic location: 6p12.2.
Variant type: Deletion.
Coding change: c.7531_7532del on transcript NM_138694.4 (MANE Select); coding-DNA positions 7531 to 7532, 2 bases deleted (TC; older notation c.7531_7532delTC).
Protein change: p.Ser2511fs; shifts the reading frame from serine 2511.
Molecular consequence: frameshift variant.
Genome position (GRCh38, 1-based): chr6:51,868,064-51,868,065, GA deleted on the plus strand (TC on the coding strand, the reverse complement: PKHD1 is on the minus strand). VCF-style (leftmost placement, unchanged base first): chr6-51868063-TGA-T. GRCh37 (hg19) VCF-style: chr6-51732861-TGA-T.
Other names: c.7531_7532del, p.Ser2511fs (NM_170724.3); short protein forms S2511fs.
Identifiers: ClinVar variation 1726541 (VCV001726541.2), dbSNP rs2535979060, ClinGen allele CA2580075484.

ClinVar aggregate classification (germline): Likely pathogenic (1 of 4 stars; one submission).

Conditions:
Polycystic kidney disease 4 (PKD4). Also called: POLYCYSTIC KIDNEY AND HEPATIC DISEASE 1; POLYCYSTIC KIDNEY DISEASE, INFANTILE, TYPE I; POLYCYSTIC KIDNEY DISEASE 4 WITH OR WITHOUT POLYCYSTIC LIVER DISEASE; PKD3; Autosomal Recessive Polycystic Kidney Disease – PKHD1. Identifiers: MedGen C4540575, MONDO:0033004, OMIM 263200.

Submission:

Myriad Genetics, Inc.
Classification: Likely pathogenic for Polycystic kidney disease 4. Last evaluated: 2021-12-18. Review status: criteria provided, single submitter. Criteria: Myriad Women's Health Autosomal Recessive and X-Linked Classification Criteria (2021). Collection method: clinical testing. Allele origin: unknown.
Comment: NM_138694.3(PKHD1):c.7531_7532delTC(S2511Kfs*72) is expected to be pathogenic in the context of autosomal recessive polycystic kidney disease, PKHD1-related. This variant is predicted to lead to an abnormal or absent protein product due to the creation of a premature termination codon in PKHD1, a gene where loss-of-function variants are known to be pathogenic. Please note: this variant was assessed in the context of healthy population screening.